The following is an entry in ClinVar:

ClinVar aggregate classification (germline): Uncertain significance. Review status: criteria provided, multiple submitters, no conflicts (2 of 4 stars). 2 submissions from 2 submitters: Uncertain significance (2). Last evaluated 2025-07-03.

Conditions:
Inborn genetic diseases. Identifiers: MedGen C0950123, MeSH D030342.

gnomAD v4.1: 33 of 1,496,866 alleles (0.0022%); highest among the groups gnomAD compares: Non-Finnish European, 0.0022%; no homozygotes.

Submissions (2):

Ambry Genetics
Classification: Uncertain significance for Inborn genetic diseases. Last evaluated: 2025-07-03. Review status: criteria provided, single submitter. Criteria: Ambry Variant Classification Scheme 2023. Collection method: clinical testing. Allele origin: germline.

Labcorp Genetics (formerly Invitae), Labcorp
Classification: Uncertain significance. Last evaluated: 2024-09-30. Review status: criteria provided, single submitter. Criteria: Invitae Variant Classification Sherloc (09022015). Collection method: clinical testing. Allele origin: germline.
Comment: This sequence change replaces tyrosine, which is neutral and polar, with histidine, which is basic and polar, at codon 97 of the IARS2 protein (p.Tyr97His). This variant is present in population databases (rs779673903, gnomAD 0.02%). This variant has not been reported in the literature in individuals affected with IARS2-related conditions. An algorithm developed to predict the effect of missense changes on protein structure and function (PolyPhen-2) suggests that this variant is likely to be disruptive. In summary, the available evidence is currently insufficient to determine the role of this variant in disease. Therefore, it has been classified as a Variant of Uncertain Significance.

NM_018060.4(IARS2):c.289T>C (p.Tyr97His)

Gene: IARS2 (isoleucyl-tRNA synthetase 2, mitochondrial; plus strand). Cytogenetic location: 1q41.
Variant type: single nucleotide variant.
Coding change: c.289T>C on transcript NM_018060.4 (MANE Select); coding-DNA position 289, T replaced by C.
Protein change: p.Tyr97His; replaces tyrosine 97 with histidine.
Molecular consequence: missense variant.
Genome position (GRCh38, 1-based): chr1:220,096,125, T>C. VCF-style: chr1-220096125-T-C. GRCh37 (hg19) VCF-style: chr1-220269467-T-C.
Other names: c.289T>C (NM_018060.3); short protein forms Y97H.
Identifiers: ClinVar variation 3604864 (VCV003604864.3).